The following is an entry in ClinVar:

NM_001127649.3(PEX26):c.751C>G (p.Pro251Ala)

Gene: PEX26 (peroxisomal biogenesis factor 26; plus strand). Cytogenetic location: 22q11.21.
Variant type: single nucleotide variant.
Coding change: c.751C>G on transcript NM_001127649.3 (MANE Select); coding-DNA position 751, C replaced by G.
Protein change: p.Pro251Ala; replaces proline 251 with alanine.
Molecular consequence: missense variant. On other transcripts: intron variant (1).
Genome position (GRCh38, 1-based): chr22:18,085,195, C>G. VCF-style: chr22-18085195-C-G. GRCh37 (hg19) VCF-style: chr22-18567961-C-G.
Other names: c.751C>G, p.Pro251Ala (NM_017929.6); c.667+1463C>G (NM_001199319.2); short protein forms P251A.
Identifiers: ClinVar variation 1464365 (VCV001464365.6), dbSNP rs2123657589, ClinGen allele CA410268629.
Genomic context (GRCh38, chr22:18,085,195, plus strand): 5'-TCACTACCGATGTTGGTTCGCCAGCTTTGGGACTCTGCGGTGAGCCACTTCTTTTCTCTG[C>G]CCTTCAAAAAGAGTCTCCTGGCTGCCTTGATCCTCTGTCTCCTGGTGGTGAGATTTGATC-3'
Protein context (NP_001121121.1, residues 241-261): DSAVSHFFSL[Pro251Ala]FKKSLLAALI

ClinVar aggregate classification (germline): Uncertain significance (1 of 4 stars; one submission).

Conditions:
Peroxisome biogenesis disorder 7A (Zellweger). Also called: Peroxisome biogenesis disorder 7A. Identifiers: Orphanet 912, MedGen C3888385, MONDO:0013938, OMIM 614872.
Peroxisome biogenesis disorder 7B (PBD7B). Identifiers: Orphanet 44, MedGen C3553951, MONDO:0013939, OMIM 614873.

Submission:

Labcorp Genetics (formerly Invitae), Labcorp
Classification: Uncertain significance for Peroxisome biogenesis disorder 7A (Zellweger); Peroxisome biogenesis disorder 7B. Last evaluated: 2022-07-25. Review status: criteria provided, single submitter. Criteria: Invitae Variant Classification Sherloc (09022015). Collection method: clinical testing. Allele origin: germline.
Comment: This sequence change replaces proline, which is neutral and non-polar, with alanine, which is neutral and non-polar, at codon 251 of the PEX26 protein (p.Pro251Ala). This variant is not present in population databases (gnomAD no frequency). This variant has not been reported in the literature in individuals affected with PEX26-related conditions. ClinVar contains an entry for this variant (Variation ID: 1464365). Algorithms developed to predict the effect of missense changes on protein structure and function are either unavailable or do not agree on the potential impact of this missense change (SIFT: "Deleterious"; PolyPhen-2: "Probably Damaging"; Align-GVGD: "Class C0"). In summary, the available evidence is currently insufficient to determine the role of this variant in disease. Therefore, it has been classified as a Variant of Uncertain Significance.